The following is an entry in ClinVar:

ClinVar aggregate classification (germline): Uncertain significance (1 of 4 stars; one submission).

Conditions:
Disseminated atypical mycobacterial infection. Identifiers: MedGen C0694566.

Allele frequency attached by ClinVar (database versions not stated): gnomAD exomes below 0.00001 and 0.00004; gnomAD 0.00001; ExAC 0.00002; TOPMed 0.00002; ESP Exome Variant Server 0.00008.
gnomAD v4.1: 54 of 1,601,866 alleles (0.0034%); highest among the groups gnomAD compares: Non-Finnish European, 0.0044%; no homozygotes.

Submission:

Labcorp Genetics (formerly Invitae), Labcorp
Classification: Uncertain significance for Disseminated atypical mycobacterial infection. Last evaluated: 2026-01-18. Review status: criteria provided, single submitter. Criteria: Invitae Variant Classification Sherloc (09022015). Collection method: clinical testing. Allele origin: germline.
Comment: This sequence change replaces isoleucine, which is neutral and non-polar, with threonine, which is neutral and polar, at codon 238 of the IFNGR1 protein (p.Ile238Thr). This variant is present in population databases (rs371734711, gnomAD 0.002%). This variant has not been reported in the literature in individuals affected with IFNGR1-related conditions. ClinVar contains an entry for this variant (Variation ID: 947015). Invitae Evidence Modeling of protein sequence and biophysical properties (such as structural, functional, and spatial information, amino acid conservation, physicochemical variation, residue mobility, and thermodynamic stability) indicates that this missense variant is not expected to disrupt IFNGR1 protein function with a negative predictive value of 80%. In summary, the available evidence is currently insufficient to determine the role of this variant in disease. Therefore, it has been classified as a Variant of Uncertain Significance.

NM_000416.3(IFNGR1):c.713T>C (p.Ile238Thr)

Gene: IFNGR1 (interferon gamma receptor 1; minus strand). Cytogenetic location: 6q23.3.
Variant type: single nucleotide variant.
Coding change: c.713T>C on transcript NM_000416.3 (MANE Select); coding-DNA position 713, T replaced by C.
Protein change: p.Ile238Thr; replaces isoleucine 238 with threonine.
Molecular consequence: missense variant.
Genome position (GRCh38, 1-based): chr6:137,203,519, A>G on the plus strand (T>C on the coding strand, the complement: IFNGR1 is on the minus strand). VCF-style: chr6-137203519-A-G. GRCh37 (hg19) VCF-style: chr6-137524656-A-G.
Other names: c.683T>C, p.Ile228Thr (NM_001363526.1); c.590T>C, p.Ile197Thr (NM_001363527.1); short protein forms I197T, I228T, I238T.
Identifiers: ClinVar variation 947015 (VCV000947015.11), dbSNP rs371734711, ClinGen allele CA4018896.
Genomic context (GRCh38, chr6:137,203,519, plus strand): 5'-TGCTCCCTCTATATTTAGAAAAAAAATGGCAAGAACTTACCTTTTATACTGCTATTGAAA[A>G]TGGTAATACAAACTTCTTTTGACTTTTCAGTTGTAACACCCCACACATGTAAGACTCCTT-3'
Protein context (NP_000407.1, residues 228-248): TEKSKEVCIT[Ile238Thr]FNSSIKGSLW